The following is an entry in ClinVar:

ClinVar aggregate classification (germline): Uncertain significance (1 of 4 stars; one submission).

Conditions:
Emery-Dreifuss muscular dystrophy 5, autosomal dominant (EDMD5). Also called: EMERY-DREIFUSS MUSCULAR DYSTROPHY 5. Identifiers: Orphanet 261, MedGen C2751805, MONDO:0013072, OMIM 612999.

Allele frequency attached by ClinVar (database versions not stated): ExAC 0.00001; gnomAD 0.00001; TOPMed 0.00001; gnomAD exomes 0.00002.
gnomAD v4.1: 24 of 1,614,110 alleles (0.0015%); highest among the groups gnomAD compares: East Asian, 0.053%; no homozygotes.

Submission:

Labcorp Genetics (formerly Invitae), Labcorp
Classification: Uncertain significance for Emery-Dreifuss muscular dystrophy 5, autosomal dominant. Last evaluated: 2025-10-18. Review status: criteria provided, single submitter. Criteria: Invitae Variant Classification Sherloc (09022015). Collection method: clinical testing. Allele origin: germline.
Comment: This sequence change replaces asparagine, which is neutral and polar, with aspartic acid, which is acidic and polar, at codon 5938 of the SYNE2 protein (p.Asn5938Asp). This variant is present in population databases (rs773213811, gnomAD 0.02%). This variant has not been reported in the literature in individuals affected with SYNE2-related conditions. ClinVar contains an entry for this variant (Variation ID: 2695691). An algorithm developed to predict the effect of missense changes on protein structure and function (PolyPhen-2) suggests that this variant is likely to be disruptive. In summary, the available evidence is currently insufficient to determine the role of this variant in disease. Therefore, it has been classified as a Variant of Uncertain Significance.

NM_182914.3(SYNE2):c.17812A>G (p.Asn5938Asp)

Gene: SYNE2 (spectrin repeat containing nuclear envelope protein 2; plus strand). Cytogenetic location: 14q23.2.
Variant type: single nucleotide variant.
Coding change: c.17812A>G on transcript NM_182914.3 (MANE Select); coding-DNA position 17812, A replaced by G.
Protein change: p.Asn5938Asp; replaces asparagine 5938 with aspartic acid.
Molecular consequence: missense variant.
Genome position (GRCh38, 1-based): chr14:64,188,649, A>G. VCF-style: chr14-64188649-A-G. GRCh37 (hg19) VCF-style: chr14-64655367-A-G.
Other names: c.17812A>G, p.Asn5938Asp (NM_015180.6); short protein forms N5938D.
Identifiers: ClinVar variation 2695691 (VCV002695691.3), dbSNP rs773213811, ClinGen allele CA7223824.